The following is an entry in ClinVar:

NM_015272.5(RPGRIP1L):c.1594G>T (p.Ala532Ser)

Gene: RPGRIP1L (RPGRIP1 like; minus strand). Cytogenetic location: 16q12.2.
Variant type: single nucleotide variant.
Coding change: c.1594G>T on transcript NM_015272.5 (MANE Select); coding-DNA position 1594, G replaced by T.
Protein change: p.Ala532Ser; replaces alanine 532 with serine.
Molecular consequence: missense variant.
Genome position (GRCh38, 1-based): chr16:53,656,577, C>A on the plus strand (G>T on the coding strand, the complement: RPGRIP1L is on the minus strand). VCF-style: chr16-53656577-C-A. GRCh37 (hg19) VCF-style: chr16-53690489-C-A.
Other names: c.1594G>T, p.Ala532Ser (NM_001127897.4, NM_001308334.3, NM_001330538.2); short protein forms A532S.
Identifiers: ClinVar variation 4997027 (VCV004997027.1).
Genomic context (GRCh38, chr16:53,656,577, plus strand): 5'-CATACTGTTCCACTTTGAGTTCATAATCTTGCTGCAAATTTTCCATCTTACGGGTCACTG[C>A]CTCAACCTCCATCTACAAAATAAGGGAAAATAAGTTTTAATACTTATGATTAGTTCTATT-3'
Protein context (NP_056087.2, residues 522-542): INKDYQMEVE[Ala532Ser]VTRKMENLQQ

ClinVar aggregate classification (germline): Uncertain significance (1 of 4 stars; one submission).

Conditions:
RPGRIP1L-related disorder. Also called: RPGRIP1L-related disorders; RPGRIP1L-related condition. Identifiers: MedGen CN239416.

gnomAD v4.1: 4 of 1,609,570 alleles (0.00025%); highest among the groups gnomAD compares: African/African-American, 0.0053%; no homozygotes.

Submission:

PreventionGenetics, part of Exact Sciences
Classification: Uncertain significance for RPGRIP1L-related condition. Last evaluated: 2025-11-05. Review status: criteria provided, single submitter. Criteria: ACMG Guidelines, 2015. Collection method: clinical testing. Allele origin: germline.
Comment: The RPGRIP1L c.1594G>T variant is predicted to result in the amino acid substitution p.Ala532Ser. To our knowledge, this variant has not been reported in the literature. This variant is reported in 0.016% of alleles in individuals of African descent in gnomAD. At this time, the clinical significance of this variant is uncertain due to the absence of conclusive functional and genetic evidence.